The following is an entry in ClinVar:

NC_000017.10:g.(?_78086997)_(78087185_?)del

Gene: GAA (alpha glucosidase; plus strand). Cytogenetic location: 17q25.3.
Variant type: Deletion.
Identifiers: ClinVar variation 3242829 (VCV003242829.1).

ClinVar aggregate classification (germline): Pathogenic (1 of 4 stars; one submission).

Conditions:
Glycogen storage disease, type II (IOPD). Also called: CARDIOMEGALIA GLYCOGENICA DIFFUSA; GLYCOGENOSIS, GENERALIZED, CARDIAC FORM; GSD II; Glycogen storage disease type 2; Acid maltase deficiency disease; Aglucosidase alfa. Identifiers: Orphanet 365, MedGen C0017921, MONDO:0009290, OMIM 232300.

Submission:

Labcorp Genetics (formerly Invitae), Labcorp
Classification: Pathogenic for Glycogen storage disease, type II. Last evaluated: 2023-08-16. Review status: criteria provided, single submitter. Criteria: Invitae Variant Classification Sherloc (09022015). Collection method: clinical testing. Allele origin: unknown.
Comment: For these reasons, this variant has been classified as Pathogenic. A similar copy number variant has been observed in individual(s) with Pompe disease (PMID: 31606152). This variant is a gross deletion of the genomic region encompassing exon(s) 15 of the GAA gene. This deletion is out-of-frame, and is expected to create a premature termination codon and result in an absent or disrupted protein product. Loss-of-function variants in GAA are known to be pathogenic (PMID: 18425781, 22252923).

Literature cited by the submitters: PubMed 31606152; PubMed 18425781; PubMed 22252923.